The following is an entry in ClinVar:

ClinVar aggregate classification (germline): Uncertain significance (1 of 4 stars; one submission).

Conditions:
Landau-Kleffner syndrome (FESD). Also called: EPILEPSY, FOCAL, WITH SPEECH DISORDER AND WITH OR WITHOUT MENTAL RETARDATION; APHASIA, ACQUIRED, WITH EPILEPSY. Identifiers: Orphanet 1945, Orphanet 725, Orphanet 98818, MedGen C0282512, MONDO:0009509, OMIM 245570.

gnomAD v4.1: 1 of 1,613,878 alleles (0.000062%); highest among the groups gnomAD compares: Admixed American, 0.0017%; no homozygotes.

Submission:

Labcorp Genetics (formerly Invitae), Labcorp
Classification: Uncertain significance for Landau-Kleffner syndrome. Last evaluated: 2025-06-30. Review status: criteria provided, single submitter. Criteria: Invitae Variant Classification Sherloc (09022015). Collection method: clinical testing. Allele origin: germline.
Comment: This sequence change replaces lysine, which is basic and polar, with glutamic acid, which is acidic and polar, at codon 1335 of the GRIN2A protein (p.Lys1335Glu). This variant is not present in population databases (gnomAD no frequency). This variant has not been reported in the literature in individuals affected with GRIN2A-related conditions. Invitae Evidence Modeling of protein sequence and biophysical properties (such as structural, functional, and spatial information, amino acid conservation, physicochemical variation, residue mobility, and thermodynamic stability) indicates that this missense variant is not expected to disrupt GRIN2A protein function with a negative predictive value of 95%. In summary, the available evidence is currently insufficient to determine the role of this variant in disease. Therefore, it has been classified as a Variant of Uncertain Significance.

NM_001134407.3(GRIN2A):c.4003A>G (p.Lys1335Glu)

Gene: GRIN2A (glutamate ionotropic receptor NMDA type subunit 2A; minus strand). Cytogenetic location: 16p13.2.
Variant type: single nucleotide variant.
Coding change: c.4003A>G on transcript NM_001134407.3 (MANE Select); coding-DNA position 4003, A replaced by G.
Protein change: p.Lys1335Glu; replaces lysine 1335 with glutamic acid.
Molecular consequence: missense variant. On other transcripts: intron variant (1).
Genome position (GRCh38, 1-based): chr16:9,763,541, T>C on the plus strand (A>G on the coding strand, the complement: GRIN2A is on the minus strand). VCF-style: chr16-9763541-T-C. GRCh37 (hg19) VCF-style: chr16-9857398-T-C.
Other names: c.4003A>G, p.Lys1335Glu (NM_000833.5); c.3773-113A>G (NM_001134408.2); short protein forms K1335E.
Identifiers: ClinVar variation 4806945 (VCV004806945.1).
Genomic context (GRCh38, chr16:9,763,541, plus strand): 5'-TGCTCCTCTTGCTGTCCTCCAGACCTTGGGGGAAAAGGGAGCTTTTTTTCCCCGAGAGTT[T>C]GCTTGAGGGGACACTAAACAGGCTGCCGTAAAAATTTCCCTCCAGAAGCCGTTCCCTGTC-3'
Protein context (NP_001127879.1, residues 1325-1345): YGSLFSVPSS[Lys1335Glu]LSGKKSSLFP